The following is an entry in ClinVar:

ClinVar aggregate classification (germline): Uncertain significance. Review status: criteria provided, single submitter (1 of 4 stars). 2 submissions from 2 submitters: Uncertain significance (1). 1 of the submissions does not count toward it. Last evaluated 2023-07-06.

Conditions:
XYLT2-related disorder. Also called: XYLT2-related condition.

Allele frequency attached by ClinVar (database versions not stated): gnomAD 0.00005 and 0.00006; TOPMed 0.00009; gnomAD exomes 0.00016 and 0.00004; 1000 Genomes Project 30x 0.00016; ExAC 0.00031; 1000 Genomes Project 0.00020.
gnomAD v4.1: 83 of 1,562,246 alleles (0.0053%); highest among the groups gnomAD compares: East Asian, 0.086%; no homozygotes.

Submissions (2):

Labcorp Genetics (formerly Invitae), Labcorp
Classification: Uncertain significance. Last evaluated: 2023-07-06. Review status: criteria provided, single submitter. Criteria: Invitae Variant Classification Sherloc (09022015). Collection method: clinical testing. Allele origin: germline.
Comment: In summary, the available evidence is currently insufficient to determine the role of this variant in disease. Therefore, it has been classified as a Variant of Uncertain Significance. An algorithm developed to predict the effect of missense changes on protein structure and function (PolyPhen-2) suggests that this variant is likely to be disruptive. ClinVar contains an entry for this variant (Variation ID: 1410552). This variant has not been reported in the literature in individuals affected with XYLT2-related conditions. This variant is present in population databases (rs199498175, gnomAD 0.2%). This sequence change replaces arginine, which is basic and polar, with tryptophan, which is neutral and slightly polar, at codon 97 of the XYLT2 protein (p.Arg97Trp).

PreventionGenetics, part of Exact Sciences
Classification: Likely benign for XYLT2-related condition. Last evaluated: 2024-09-23. Review status: no assertion criteria provided. Collection method: clinical testing. Allele origin: germline. Not counted in ClinVar's aggregate classification.
Comment: This variant is classified as likely benign based on ACMG/AMP sequence variant interpretation guidelines (Richards et al. 2015 PMID: 25741868, with internal and published modifications).

NM_022167.4(XYLT2):c.289C>T (p.Arg97Trp)

Gene: XYLT2 (xylosyltransferase 2; plus strand). Cytogenetic location: 17q21.33.
Variant type: single nucleotide variant.
Coding change: c.289C>T on transcript NM_022167.4 (MANE Select); coding-DNA position 289, C replaced by T.
Protein change: p.Arg97Trp; replaces arginine 97 with tryptophan.
Molecular consequence: missense variant.
Genome position (GRCh38, 1-based): chr17:50,353,783, C>T. VCF-style: chr17-50353783-C-T. GRCh37 (hg19) VCF-style: chr17-48431144-C-T.
Other names: short protein forms R97W.
Identifiers: ClinVar variation 1410552 (VCV001410552.7), dbSNP rs199498175, ClinGen allele CA8646125.
Genomic context (GRCh38, chr17:50,353,783, plus strand): 5'-AGGCATGGGCGCTGGCGGGGCCGTGCTGAGAGCCCAGGAGTGCCCGTGGCCAAGGTGGTA[C>T]GGGCAGTAACCAGCCGGCAGAGAGCCAGCCGGCGGGTCCCACCTGCCCCACCCCCGGAAG-3'
Protein context (NP_071450.2, residues 87-107): SPGVPVAKVV[Arg97Trp]AVTSRQRASR